The following is an entry in ClinVar:

ClinVar aggregate classification (germline): Conflicting classifications of pathogenicity. Review status: criteria provided, conflicting classifications (1 of 4 stars). 3 submissions from 3 submitters: Uncertain significance (2); Benign (1). Last evaluated 2026-03-04.

Conditions:
Hereditary pulmonary alveolar proteinosis. Also called: Pulmonary surfactant metabolism dysfunction. Identifiers: Orphanet 264675, MedGen C3711368, MONDO:0012580.

Allele frequency attached by ClinVar (database versions not stated): gnomAD exomes 0.00005 and 0.00008; ExAC 0.00008; 1000 Genomes Project 0.00020; gnomAD 0.00005; TOPMed 0.00008; 1000 Genomes Project 30x 0.00031; ESP Exome Variant Server 0.00016.
gnomAD v4.1: 82 of 1,614,152 alleles (0.0051%); highest among the groups gnomAD compares: Middle Eastern, 0.049%; 1 homozygote.

Submissions (3):

Ambry Genetics
Classification: Benign for Hereditary pulmonary alveolar proteinosis. Last evaluated: 2026-03-04. Review status: criteria provided, single submitter. Criteria: Ambry Variant Classification Scheme 2023. Collection method: clinical testing. Allele origin: germline.

Labcorp Genetics (formerly Invitae), Labcorp
Classification: Uncertain significance. Last evaluated: 2024-12-31. Review status: criteria provided, single submitter. Criteria: Invitae Variant Classification Sherloc (09022015). Collection method: clinical testing. Allele origin: germline.
Comment: This sequence change falls in intron 3 of the SFTPC gene. It does not directly change the encoded amino acid sequence of the SFTPC protein. It affects a nucleotide within the consensus splice site. This variant is present in population databases (rs200023904, gnomAD 0.02%). This variant has not been reported in the literature in individuals affected with SFTPC-related conditions. ClinVar contains an entry for this variant (Variation ID: 450876). Variants that disrupt the consensus splice site are a relatively common cause of aberrant splicing (PMID: 17576681, 9536098). Algorithms developed to predict the effect of sequence changes on RNA splicing suggest that this variant may disrupt the consensus splice site. In summary, the available evidence is currently insufficient to determine the role of this variant in disease. Therefore, it has been classified as a Variant of Uncertain Significance.

GeneDx
Classification: Uncertain significance. Last evaluated: 2023-11-05. Review status: criteria provided, single submitter. Criteria: GeneDx Variant Classification Process June 2021. Collection method: clinical testing. Allele origin: germline. Affected: yes.
Comment: In silico analysis supports that this variant does not alter splicing; Has not been previously published as pathogenic or benign to our knowledge

Literature cited by the submitters: PubMed 17576681 (cited by Labcorp Genetics (formerly Invitae), Labcorp); PubMed 9536098 (cited by Labcorp Genetics (formerly Invitae), Labcorp).

NM_001317778.2(SFTPC):c.324+5G>A

Gene: SFTPC (surfactant protein C; plus strand). Cytogenetic location: 8p21.3.
Variant type: single nucleotide variant.
Coding change: c.324+5G>A on transcript NM_001317778.2 (MANE Select); 5 bases into the intron after coding-DNA position 324, G replaced by A.
Molecular consequence: intron variant.
Genome position (GRCh38, 1-based): chr8:22,163,207, G>A. VCF-style: chr8-22163207-G-A. GRCh37 (hg19) VCF-style: chr8-22020720-G-A.
Other names: c.324+5G>A (NM_003018.4, NM_001172410.2, NM_001172357.2 and 1 more transcripts); c.165+5G>A (NM_001317779.2).
Identifiers: ClinVar variation 450876 (VCV000450876.9), dbSNP rs200023904, ClinGen allele CA4663963.